The following is an entry in ClinVar:

NM_000053.4(ATP7B):c.2009A>G (p.Tyr670Cys)

Gene: ATP7B (ATPase copper transporting beta; minus strand). Cytogenetic location: 13q14.3.
Variant type: single nucleotide variant.
Coding change: c.2009A>G on transcript NM_000053.4 (MANE Select); coding-DNA position 2009, A replaced by G.
Protein change: p.Tyr670Cys; replaces tyrosine 670 with cysteine.
Molecular consequence: missense variant. On other transcripts: intron variant (2).
Genome position (GRCh38, 1-based): chr13:51,960,260, T>C on the plus strand (A>G on the coding strand, the complement: ATP7B is on the minus strand). VCF-style: chr13-51960260-T-C. GRCh37 (hg19) VCF-style: chr13-52534396-T-C.
Other names: c.1676A>G, p.Tyr559Cys (NM_001243182.2); c.2009A>G, p.Tyr670Cys (NM_001330578.2); c.1870-2653A>G (NM_001005918.3); c.1870-1716A>G (NM_001330579.2); short protein forms Y670C, Y559C.
Identifiers: ClinVar variation 871877 (VCV000871877.17), dbSNP rs767305042, ClinGen allele CA6989137.

ClinVar aggregate classification (germline): Uncertain significance. Review status: criteria provided, multiple submitters, no conflicts (2 of 4 stars). 4 submissions from 4 submitters: Uncertain significance (4). Last evaluated 2025-08-19.

Conditions:
Wilson disease (WND). Also called: Wilson's disease. Identifiers: Orphanet 905, MedGen C0019202, MONDO:0010200, OMIM 277900. Disease mechanism: loss of function.

Allele frequency attached by ClinVar (database versions not stated): TOPMed below 0.00001; gnomAD 0.00001.
gnomAD v4.1: 12 of 1,613,730 alleles (0.00074%); highest among the groups gnomAD compares: East Asian, 0.011%; no homozygotes.

Submissions (4):

Color Diagnostics, LLC DBA Color Health
Classification: Uncertain significance for Wilson disease. Last evaluated: 2025-08-19. Review status: criteria provided, single submitter. Criteria: ACMG Guidelines, 2015. Collection method: clinical testing. Allele origin: germline.
Comment: This missense variant replaces tyrosine with cysteine at codon 670 of the ATP7B protein. Computational prediction suggests that this variant may have deleterious impact on protein structure and function. To our knowledge, functional studies have not been reported for this variant. This variant has been reported in an individual affected with Wilson disease (PMID: 40620501). This variant has been identified in 4/249218 chromosomes in the general population by the Genome Aggregation Database (gnomAD). The available evidence is insufficient to determine the role of this variant in disease conclusively. Therefore, this variant is classified as a Variant of Uncertain Significance.

All of Us Research Program, National Institutes of Health
Classification: Uncertain significance for Wilson disease. Last evaluated: 2023-12-01. Review status: criteria provided, single submitter. Criteria: ACMG Guidelines, 2015. Collection method: clinical testing. Allele origin: germline. Inheritance: Autosomal recessive inheritance. Observed: 2 variant alleles, 2 heterozygotes.
Comment: This missense variant replaces tyrosine with cysteine at codon 670 of the ATP7B protein. Computational prediction suggests that this variant may have deleterious impact on protein structure and function (internally defined REVEL score threshold >= 0.7, PMID: 27666373). To our knowledge, functional studies have not been reported for this variant. This variant has not been reported in individuals affected with Wilson disease in the literature. This variant has been identified in 4/249218 chromosomes in the general population by the Genome Aggregation Database (gnomAD). The available evidence is insufficient to determine the role of this variant in disease conclusively. Therefore, this variant is classified as a Variant of Uncertain Significance.

This study involves interpretation of variants in research participants for the purpose of population health screening. Participant phenotype was not available at the time of variant classification. Additional details can be found in publication PMID: 35346344, PMCID: PMC8962531

Labcorp Genetics (formerly Invitae), Labcorp
Classification: Uncertain significance for Wilson disease. Last evaluated: 2022-09-01. Review status: criteria provided, single submitter. Criteria: Invitae Variant Classification Sherloc (09022015). Collection method: clinical testing. Allele origin: germline.
Comment: This sequence change replaces tyrosine, which is neutral and polar, with cysteine, which is neutral and slightly polar, at codon 670 of the ATP7B protein (p.Tyr670Cys). This variant is present in population databases (rs767305042, gnomAD 0.02%). This variant has not been reported in the literature in individuals affected with ATP7B-related conditions. ClinVar contains an entry for this variant (Variation ID: 871877). Advanced modeling of protein sequence and biophysical properties (such as structural, functional, and spatial information, amino acid conservation, physicochemical variation, residue mobility, and thermodynamic stability) performed at Invitae indicates that this missense variant is expected to disrupt ATP7B protein function. Algorithms developed to predict the effect of sequence changes on RNA splicing suggest that this variant may create or strengthen a splice site. In summary, the available evidence is currently insufficient to determine the role of this variant in disease. Therefore, it has been classified as a Variant of Uncertain Significance.

Juno Genomics, Hangzhou Juno Genomics, Inc
Classification: Uncertain significance for Wilson disease. Review status: criteria provided, single submitter. Criteria: ACMG Guidelines, 2015. Collection method: clinical testing. Allele origin: germline.
Comment: Absent from controls (or at extremely low frequency if recessive) in Genome Aggregation Database.;Multiple lines of computational evidence support a deleterious effect on the gene or gene product.

Literature cited by the submitters: PubMed 40620501 (cited by Color Diagnostics, LLC DBA Color Health).